The following is an entry in ClinVar:

NM_005422.4(TECTA):c.2445G>C (p.Thr815=)

Genes: TBCEL-TECTA (TBCEL-TECTA readthrough; plus strand), TECTA (tectorin alpha; plus strand), LOC126861365 (P300/CBP strongly-dependent group 1 enhancer GRCh37_chr11:121000154-121001353; plus strand). Cytogenetic location: 11q23.3.
Variant type: single nucleotide variant.
Coding change: c.2445G>C on transcript NM_005422.4 (MANE Select); coding-DNA position 2445, G replaced by C.
Protein change: p.Thr815=; no amino-acid change (threonine 815 retained).
Molecular consequence: synonymous variant.
Genome position (GRCh38, 1-based): chr11:121,129,715, G>C. VCF-style: chr11-121129715-G-C. GRCh37 (hg19) VCF-style: chr11-121000424-G-C.
Other names: c.3402G>C, p.Thr1134= (NM_001378761.1).
Identifiers: ClinVar variation 3257371 (VCV003257371.17).

ClinVar aggregate classification (germline): Likely benign (1 of 4 stars; one submission).

Submission:

CeGaT Center for Human Genetics Tuebingen
Classification: Likely benign. Last evaluated: 2024-07-01. Review status: criteria provided, single submitter. Criteria: CeGaT Center For Human Genetics Tuebingen Variant Classification Criteria Version 2. Collection method: clinical testing. Allele origin: germline. Affected: yes. Observed: 1 variant allele.
Comment: TECTA: PM2:Supporting, BP4, BP7